The following is an entry in ClinVar:

ClinVar aggregate classification (germline): Uncertain significance. Review status: criteria provided, multiple submitters, no conflicts (2 of 4 stars). 2 submissions from 2 submitters: Uncertain significance (2). Last evaluated 2025-09-03.

Conditions:
Intellectual disability-microcephaly-strabismus-behavioral abnormalities syndrome. Also called: White-Sutton Syndrome. Identifiers: Orphanet 468678, MedGen C4225351, MONDO:0014606, OMIM 616364.

Allele frequency attached by ClinVar (database versions not stated): gnomAD 0.00001; gnomAD exomes 0.00001; TOPMed 0.00002; ESP Exome Variant Server 0.00008.
gnomAD v4.1: 11 of 1,548,080 alleles (0.00071%); highest among the groups gnomAD compares: African/African-American, 0.0014%; no homozygotes.

Submissions (2):

Women's Health and Genetics/Laboratory Corporation of America, LabCorp
Classification: Uncertain significance. Last evaluated: 2025-09-03. Review status: criteria provided, single submitter. Criteria: LabCorp Variant Classification Summary - May 2015. Collection method: clinical testing. Allele origin: germline.
Comment: Variant summary: POGZ c.284-3T>C alters a non-conserved nucleotide located close to a canonical splice site and therefore could affect mRNA splicing, leading to a significantly altered protein sequence. Consensus agreement among computation tools predict no significant impact on normal splicing. However, these predictions have yet to be confirmed by functional studies. The frequency data for this variant in gnomAD is considered unreliable, as metrics indicate poor data quality at this position. To our knowledge, no occurrence of c.284-3T>C in individuals affected with POGZ-related conditions and no experimental evidence demonstrating its impact on protein function have been reported. ClinVar contains an entry for this variant (Variation ID: 2435141). Based on the evidence outlined above, the variant was classified as uncertain significance.

Revvity Omics, Revvity
Classification: Uncertain significance for Intellectual disability-microcephaly-strabismus-behavioral abnormalities syndrome. Last evaluated: 2022-09-13. Review status: criteria provided, single submitter. Criteria: ACMG Guidelines, 2015. Collection method: clinical testing. Allele origin: germline.

NM_015100.4(POGZ):c.284-3T>C

Gene: POGZ (pogo transposable element derived with ZNF domain; minus strand). Cytogenetic location: 1q21.3.
Variant type: single nucleotide variant.
Coding change: c.284-3T>C on transcript NM_015100.4 (MANE Select); 3 bases into the intron before coding-DNA position 284, T replaced by C.
Molecular consequence: intron variant.
Genome position (GRCh38, 1-based): chr1:151,430,844, A>G on the plus strand (T>C on the coding strand, the complement: POGZ is on the minus strand). VCF-style: chr1-151430844-A-G. GRCh37 (hg19) VCF-style: chr1-151403320-A-G.
Other names: c.125-3T>C (NM_001194938.2, NM_207171.2); c.284-2431T>C (NM_145796.4); c.284-3T>C (NM_001194937.2).
Identifiers: ClinVar variation 2435141 (VCV002435141.4), dbSNP rs374645463, ClinGen allele CA29590093.